The following is an entry in ClinVar:

NM_001458.5(FLNC):c.910G>A (p.Asp304Asn)

Gene: FLNC (filamin C; plus strand). Cytogenetic location: 7q32.1.
Variant type: single nucleotide variant.
Coding change: c.910G>A on transcript NM_001458.5 (MANE Select); coding-DNA position 910, G replaced by A.
Protein change: p.Asp304Asn; replaces aspartic acid 304 with asparagine.
Molecular consequence: missense variant.
Genome position (GRCh38, 1-based): chr7:128,837,696, G>A. VCF-style: chr7-128837696-G-A. GRCh37 (hg19) VCF-style: chr7-128477750-G-A.
Other names: c.910G>A, p.Asp304Asn (NM_001127487.2); short protein forms D304N.
Identifiers: ClinVar variation 4812448 (VCV004812448.2).

ClinVar aggregate classification (germline): Uncertain significance. Review status: criteria provided, multiple submitters, no conflicts (2 of 4 stars). 2 submissions from 2 submitters: Uncertain significance (2). Last evaluated 2026-02-19.

Conditions:
Cardiovascular phenotype. Identifiers: MedGen CN230736.
Myofibrillar myopathy 5. Also called: Filaminopathy (type); FILAMINOPATHY, AUTOSOMAL DOMINANT. Identifiers: Orphanet 171445, MedGen C1836050, MONDO:0012289, OMIM 609524.
Distal myopathy with posterior leg and anterior hand involvement. Also called: WILLIAMS DISTAL MYOPATHY. Identifiers: Orphanet 63273, MedGen C3279722, MONDO:0013550, OMIM 614065.
Hypertrophic cardiomyopathy 26. Also called: Cardiomyopathy, familial hypertrophic, 26. Identifiers: Orphanet 75249, MedGen C4310749, MONDO:0014883, OMIM 617047.

gnomAD v4.1: 3 of 1,610,820 alleles (0.00019%); highest among the groups gnomAD compares: South Asian, 0.0022%; no homozygotes.

Submissions (2):

Ambry Genetics
Classification: Uncertain significance for Cardiovascular phenotype. Last evaluated: 2026-02-19. Review status: criteria provided, single submitter. Criteria: Ambry Variant Classification Scheme 2023. Collection method: clinical testing. Allele origin: germline.
Comment: The p.D304N variant (also known as c.910G>A), located in coding exon 5 of the FLNC gene, results from a G to A substitution at nucleotide position 910. The aspartic acid at codon 304 is replaced by asparagine, an amino acid with highly similar properties. This amino acid position is conserved. In addition, this alteration is predicted to be tolerated by in silico analysis. Based on the available evidence, the clinical significance of this variant remains unclear.

Labcorp Genetics (formerly Invitae), Labcorp
Classification: Uncertain significance for Distal myopathy with posterior leg and anterior hand involvement; Myofibrillar myopathy 5; Hypertrophic cardiomyopathy 26. Last evaluated: 2025-08-22. Review status: criteria provided, single submitter. Criteria: Invitae Variant Classification Sherloc (09022015). Collection method: clinical testing. Allele origin: germline.
Comment: This sequence change replaces aspartic acid, which is acidic and polar, with asparagine, which is neutral and polar, at codon 304 of the FLNC protein (p.Asp304Asn). This variant is not present in population databases (gnomAD no frequency). This variant has not been reported in the literature in individuals affected with FLNC-related conditions. Invitae Evidence Modeling of protein sequence and biophysical properties (such as structural, functional, and spatial information, amino acid conservation, physicochemical variation, residue mobility, and thermodynamic stability) has been performed for this missense variant. However, the output from this modeling did not meet the statistical confidence thresholds required to predict the impact of this variant on FLNC protein function. In summary, the available evidence is currently insufficient to determine the role of this variant in disease. Therefore, it has been classified as a Variant of Uncertain Significance.